The following is an entry in ClinVar:

NM_001145346.2(RBMXL3):c.1817G>A (p.Arg606His)

Genes: LRCH2 (leucine rich repeats and calponin homology domain containing 2; minus strand), RBMXL3 (RBMX like 3; plus strand). Cytogenetic location: Xq23.
Variant type: single nucleotide variant.
Coding change: c.1817G>A on transcript NM_001145346.2 (MANE Select); coding-DNA position 1817, G replaced by A.
Protein change: p.Arg606His; replaces arginine 606 with histidine.
Molecular consequence: missense variant. On other transcripts: intron variant (2).
Genome position (GRCh38, 1-based): chrX:115,191,258, G>A. VCF-style: chrX-115191258-G-A. GRCh37 (hg19) VCF-style: chrX-114425821-G-A.
Other names: c.350-2888C>T (NM_001243963.2, NM_020871.4); short protein forms R606H.
Identifiers: ClinVar variation 2661240 (VCV002661240.25), dbSNP rs200443208, ClinGen allele CA10496346.

ClinVar aggregate classification (germline): Conflicting classifications of pathogenicity. Review status: criteria provided, conflicting classifications (1 of 4 stars). 2 submissions from 2 submitters: Uncertain significance (1); Likely benign (1). Last evaluated 2023-02-01.

Allele frequency attached by ClinVar (database versions not stated): gnomAD 0.00044; ExAC 0.00045; 1000 Genomes Project 0.00079; 1000 Genomes Project 30x 0.00125.
gnomAD v4.1: 271 of 1,151,858 alleles (0.024%); highest among the groups gnomAD compares: East Asian, 0.59%; 3 homozygotes.

Submissions (2):

CeGaT Center for Human Genetics Tuebingen
Classification: Likely benign. Last evaluated: 2023-02-01. Review status: criteria provided, single submitter. Criteria: CeGaT Center For Human Genetics Tuebingen Variant Classification Criteria Version 2. Collection method: clinical testing. Allele origin: germline. Affected: yes. Observed: 1 variant allele.
Comment: RBMXL3: BP4, BS2

Ambry Genetics
Classification: Uncertain significance. Last evaluated: 2022-04-25. Review status: criteria provided, single submitter. Criteria: Ambry Variant Classification Scheme 2023. Collection method: clinical testing. Allele origin: germline.